The following is an entry in ClinVar:

ClinVar aggregate classification (germline): Uncertain significance (1 of 4 stars; one submission).

Conditions:
Joubert syndrome 21 (JBTS21). Identifiers: MedGen C3810212, MONDO:0014288, OMIM 615636.

Allele frequency attached by ClinVar (database versions not stated): gnomAD exomes below 0.00001.
gnomAD v4.1: 1 of 1,612,892 alleles (0.000062%); highest among the groups gnomAD compares: Non-Finnish European, 0.000085%; no homozygotes.

Submission:

Labcorp Genetics (formerly Invitae), Labcorp
Classification: Uncertain significance for Joubert syndrome 21. Last evaluated: 2021-12-19. Review status: criteria provided, single submitter. Criteria: Invitae Variant Classification Sherloc (09022015). Collection method: clinical testing. Allele origin: germline.
Comment: This variant has not been reported in the literature in individuals affected with CSPP1-related conditions. In summary, the available evidence is currently insufficient to determine the role of this variant in disease. Therefore, it has been classified as a Variant of Uncertain Significance. Algorithms developed to predict the effect of missense changes on protein structure and function output the following: SIFT: "Tolerated"; PolyPhen-2: "Benign"; Align-GVGD: "Class C0". The glycine amino acid residue is found in multiple mammalian species, which suggests that this missense change does not adversely affect protein function. This variant is not present in population databases (gnomAD no frequency). This sequence change replaces arginine, which is basic and polar, with glycine, which is neutral and non-polar, at codon 202 of the CSPP1 protein (p.Arg202Gly).

NM_001382391.1(CSPP1):c.577A>G (p.Arg193Gly)

Gene: CSPP1 (centrosome and spindle pole associated protein 1; plus strand). Cytogenetic location: 8q13.1.
Variant type: single nucleotide variant.
Coding change: c.577A>G on transcript NM_001382391.1 (MANE Select); coding-DNA position 577, A replaced by G.
Protein change: p.Arg193Gly; replaces arginine 193 with glycine.
Molecular consequence: missense variant. On other transcripts: 5 prime UTR variant (1).
Genome position (GRCh38, 1-based): chr8:67,095,386, A>G. VCF-style: chr8-67095386-A-G. GRCh37 (hg19) VCF-style: chr8-68007621-A-G.
Other names: c.-279A>G (NM_001291339.2); c.496A>G, p.Arg166Gly (NM_001363131.2, NM_001363133.2); c.577A>G, p.Arg193Gly (NM_001363132.2); c.685A>G, p.Arg229Gly (NM_001364869.1); c.604A>G, p.Arg202Gly (NM_001364870.1, NM_024790.7); short protein forms R229G, R202G, R166G, R193G.
Identifiers: ClinVar variation 2048049 (VCV002048049.4), dbSNP rs2488638677, ClinGen allele CA371190417.
Genomic context (GRCh38, chr8:67,095,386, plus strand): 5'-CAAGTTAAGCCTGATCTAACTTCACAAATACAGACATCTTGTGAAAATTCAGAGGGTCCT[A>G]GAAAAGATGTCTTAACTCCTTCAGAGGCATATGAAGAACTTCTGAACCAAAGACGACTAG-3'
Protein context (NP_001369320.1, residues 183-203): QTSCENSEGP[Arg193Gly]KDVLTPSEAY